The following is an entry in ClinVar:

NM_004360.5(CDH1):c.2440-19T>C

Gene: CDH1 (cadherin 1; plus strand). Cytogenetic location: 16q22.1.
Variant type: single nucleotide variant.
Coding change: c.2440-19T>C on transcript NM_004360.5 (MANE Select); 19 bases into the intron before coding-DNA position 2440, T replaced by C.
Molecular consequence: intron variant.
Genome position (GRCh38, 1-based): chr16:68,833,271, T>C. VCF-style: chr16-68833271-T-C. GRCh37 (hg19) VCF-style: chr16-68867174-T-C.
Other names: c.2440-19T>C (LRG_301t1); c.892-19T>C (NM_001317185.2); c.475-19T>C (NM_001317186.2); c.2257-19T>C (NM_001317184.2).
Identifiers: ClinVar variation 381464 (VCV000381464.2), dbSNP rs1057521042, ClinGen allele CA16608251.
Genomic context (GRCh38, chr16:68,833,271, plus strand): 5'-ATATTGCTAGACTTCTTGCCCCAGATGACAGGTGTGCCCTTCCTTTCACTAAAAGATGCT[T>C]TTGTCCCTTCTTCTTTAGAATCTGAAAGCGGCTGATACTGACCCCACAGCCCCGCCTTAT-3'

ClinVar aggregate classification (germline): Likely benign. Review status: criteria provided, multiple submitters, no conflicts (2 of 4 stars). 2 submissions from 2 submitters: Likely benign (2). Last evaluated 2024-09-23.

Conditions:
Hereditary diffuse gastric adenocarcinoma (HDGC). Also called: DIFFUSE GASTRIC AND LOBULAR BREAST CANCER SYNDROME. Identifiers: Orphanet 26106, MedGen C1708349, MONDO:0007648, OMIM 137215.

Submissions (2):

Myriad Genetics, Inc.
Classification: Likely benign for Hereditary diffuse gastric adenocarcinoma. Last evaluated: 2024-09-23. Review status: criteria provided, single submitter. Criteria: Myriad Autosomal Dominant, Autosomal Recessive and X-Linked Classification Criteria (2023). Collection method: clinical testing. Allele origin: unknown.
Comment: This variant is considered likely benign. This variant is intronic and is not expected to impact mRNA splicing.

GeneDx
Classification: Likely benign. Last evaluated: 2015-11-04. Review status: criteria provided, single submitter. Criteria: GeneDx Variant Classification (06012015). Collection method: clinical testing. Allele origin: germline. Affected: yes.
Comment: This variant is considered likely benign or benign based on one or more of the following criteria: it is a conservative change, it occurs at a poorly conserved position in the protein, it is predicted to be benign by multiple in silico algorithms, and/or has population frequency not consistent with disease.